The following is an entry in ClinVar:

ClinVar aggregate classification (germline): Uncertain significance (1 of 4 stars; one submission).

Conditions:
MAOA-related disorder. Also called: MAOA-related condition.

Submission:

PreventionGenetics, part of Exact Sciences
Classification: Uncertain significance for MAOA-related condition. Last evaluated: 2025-03-11. Review status: criteria provided, single submitter. Criteria: ACMG Guidelines, 2015. Collection method: clinical testing. Allele origin: germline.
Comment: The MAOA c.1339G>A variant is predicted to result in the amino acid substitution p.Gly447Arg. To our knowledge, this variant has not been reported in the literature or large population database gnomAD, indicating that this variant is rare. At this time, the clinical significance of this variant is uncertain due to the absence of conclusive functional and genetic evidence.

NM_000240.4(MAOA):c.1339G>A (p.Gly447Arg)

Gene: MAOA (monoamine oxidase A; plus strand). Cytogenetic location: Xp11.3.
Variant type: single nucleotide variant.
Coding change: c.1339G>A on transcript NM_000240.4 (MANE Select); coding-DNA position 1339, G replaced by A.
Protein change: p.Gly447Arg; replaces glycine 447 with arginine.
Molecular consequence: missense variant.
Genome position (GRCh38, 1-based): chrX:43,743,870, G>A. VCF-style: chrX-43743870-G-A. GRCh37 (hg19) VCF-style: chrX-43603117-G-A.
Other names: c.940G>A, p.Gly314Arg (NM_001270458.2); short protein forms G447R, G314R.
Identifiers: ClinVar variation 5002368 (VCV005002368.1).
Genomic context (GRCh38, chrX:43,743,870, plus strand): 5'-GTGGGCAGGATTTTCTTTGCGGGCACAGAGACTGCCACAAAGTGGAGCGGCTACATGGAA[G>A]GGGCAGTTGAGGCTGGAGAACGAGCAGCTAGGGAGGTAAGCAGGAAAGCCCAGGCTCTCT-3'
Protein context (NP_000231.1, residues 437-457): TATKWSGYME[Gly447Arg]AVEAGERAAR